The following is an entry in ClinVar:

NM_016734.3(PAX5):c.1105C>T (p.Pro369Ser)

Gene: PAX5 (paired box 5; minus strand). Cytogenetic location: 9p13.2.
Variant type: single nucleotide variant.
Coding change: c.1105C>T on transcript NM_016734.3 (MANE Select); coding-DNA position 1105, C replaced by T.
Protein change: p.Pro369Ser; replaces proline 369 with serine.
Molecular consequence: missense variant. On other transcripts: synonymous variant (2), non-coding transcript variant (2).
Genome position (GRCh38, 1-based): chr9:36,840,631, G>A on the plus strand (C>T on the coding strand, the complement: PAX5 is on the minus strand). VCF-style: chr9-36840631-G-A. GRCh37 (hg19) VCF-style: chr9-36840628-G-A.
Other names: c.1003C>T, p.Pro335Ser (NM_001280547.2); c.1018C>T, p.Pro340Ser (NM_001280548.2); c.873C>T, p.Pro291= (NM_001280549.2); c.786C>T, p.Pro262= (NM_001280550.2); c.592C>T, p.Pro198Ser (NM_001280551.2); c.916C>T, p.Pro306Ser (NM_001280552.2); c.889C>T, p.Pro297Ser (NM_001280553.2); c.976C>T, p.Pro326Ser (NM_001280554.2); and 2 more; short protein forms P261S, P297S, P198S, P269S, P326S, P306S, P335S, P340S.
Identifiers: ClinVar variation 3885918 (VCV003885918.1).

ClinVar aggregate classification (germline): Uncertain significance (1 of 4 stars; one submission).

Conditions:
Inborn genetic diseases. Identifiers: MedGen C0950123, MeSH D030342.

Submission:

Ambry Genetics
Classification: Uncertain significance for Inborn genetic diseases. Last evaluated: 2025-01-07. Review status: criteria provided, single submitter. Criteria: Ambry Variant Classification Scheme 2023. Collection method: clinical testing. Allele origin: germline.
Comment: The p.P369S variant (also known as c.1105C>T), located in coding exon 10 of the PAX5 gene, results from a C to T substitution at nucleotide position 1105. The proline at codon 369 is replaced by serine, an amino acid with similar properties. This amino acid position is conserved. In addition, this alteration is predicted to be deleterious by in silico analysis. Based on the available evidence, the clinical significance of this variant remains unclear.